The following is an entry in ClinVar:

NM_005251.3(FOXC2):c.595dup (p.His199fs)

Gene: FOXC2 (forkhead box C2; plus strand). Cytogenetic location: 16q24.1.
Variant type: Duplication.
Coding change: c.595dup on transcript NM_005251.3 (MANE Select); coding-DNA position 595, one base duplicated (C; older notation c.595dupC).
Protein change: p.His199fs; shifts the reading frame from histidine 199.
Molecular consequence: frameshift variant.
Genome position (GRCh38, 1-based): chr16:86,567,930, C duplicated; the last of 6 consecutive C bases (chr16:86,567,925-86,567,930); duplicating any one gives the same sequence. VCF-style (leftmost placement, unchanged base first): chr16-86567924-A-AC. GRCh37 (hg19) VCF-style: chr16-86601530-A-AC.
Other names: short protein forms H199fs.
Identifiers: ClinVar variation 1451572 (VCV001451572.11), dbSNP rs2144019324, ClinGen allele CA645595908.

ClinVar aggregate classification (germline): Pathogenic. Review status: criteria provided, multiple submitters, no conflicts (2 of 4 stars). 3 submissions from 3 submitters: Pathogenic (3). Last evaluated 2024-08-28.

Conditions:
Distichiasis-lymphedema syndrome. Also called: LYMPHEDEMA WITH DISTICHIASIS. Identifiers: Orphanet 33001, MedGen C0265345, MONDO:0007922, OMIM 153400.
FOXC2-related disorders.

Submissions (3):

Blueprint Genetics
Classification: Pathogenic for FOXC2-related disorders. Last evaluated: 2024-08-28. Review status: criteria provided, single submitter. Criteria: ACMG Guidelines, 2015. Collection method: clinical testing. Allele origin: germline. Affected: yes. Observed: 3 variant alleles.

Labcorp Genetics (formerly Invitae), Labcorp
Classification: Pathogenic. Last evaluated: 2021-01-09. Review status: criteria provided, single submitter. Criteria: Invitae Variant Classification Sherloc (09022015). Collection method: clinical testing. Allele origin: germline.
Comment: For these reasons, this variant has been classified as Pathogenic. This variant has been observed in individual(s) with lymphedema-distichiasis syndrome (PMID: 11371511, 27752211, Invitae). It has also been observed to segregate with disease in related individuals. This variant is also known as 589insC. This variant is not present in population databases (ExAC no frequency). This sequence change creates a premature translational stop signal (p.His199Profs*264) in the FOXC2 gene. While this is not anticipated to result in nonsense mediated decay, it is expected to disrupt the last 303 amino acid(s) of the FOXC2 protein.

Institute for Medical Genetics and Human Genetics, Charité - Universitätsmedizin Berlin
Classification: Pathogenic for Distichiasis-lymphedema syndrome. Review status: criteria provided, single submitter. Criteria: ACMG Guidelines, 2015. Collection method: not provided. Allele origin: germline. Inheritance: Autosomal dominant inheritance. Affected: yes.

Literature cited by the submitters: PubMed 11371511 (cited by Labcorp Genetics (formerly Invitae), Labcorp); PubMed 27752211 (cited by Labcorp Genetics (formerly Invitae), Labcorp).